The following is an entry in ClinVar:

NM_001384140.1(PCDH15):c.8G>C (p.Arg3Pro)

Gene: PCDH15 (protocadherin related 15; minus strand). Cytogenetic location: 10q21.1.
Variant type: single nucleotide variant.
Coding change: c.8G>C on transcript NM_001384140.1 (MANE Select); coding-DNA position 8, G replaced by C.
Protein change: p.Arg3Pro; replaces arginine 3 with proline.
Molecular consequence: missense variant.
Genome position (GRCh38, 1-based): chr10:54,664,255, C>G on the plus strand (G>C on the coding strand, the complement: PCDH15 is on the minus strand). VCF-style: chr10-54664255-C-G. GRCh37 (hg19) VCF-style: chr10-56424015-C-G.
Other names: c.8G>C, p.Arg3Pro (NM_001142763.2, NM_001142764.2, NM_001142765.2 and 14 more transcripts); short protein forms R3P.
Identifiers: ClinVar variation 3767771 (VCV003767771.1).

ClinVar aggregate classification (germline): Uncertain significance (1 of 4 stars; one submission).

gnomAD v4.1: 2 of 1,610,586 alleles (0.00012%); highest among the groups gnomAD compares: African/African-American, 0.0013%; no homozygotes.

Submission:

GeneDx
Classification: Uncertain significance. Last evaluated: 2024-09-10. Review status: criteria provided, single submitter. Criteria: GeneDx Variant Classification Process June 2021. Collection method: clinical testing. Allele origin: germline. Affected: yes.
Comment: Not observed at significant frequency in large population cohorts (gnomAD); In silico analysis indicates that this missense variant does not alter protein structure/function; Has not been previously published as pathogenic or benign to our knowledge